The following continues an entry in ClinVar:

NM_001042492.3(NF1):c.6772C>T (p.Arg2258Ter)

Gene: NF1. ClinVar aggregate classification (germline): Pathogenic. Pathogenic (30).

Submissions 31 to 35 of 35:

PreventionGenetics, part of Exact Sciences
Classification: Pathogenic for NF1-related condition. Last evaluated: 2024-09-28. Review status: no assertion criteria provided. Collection method: clinical testing. Allele origin: germline. Not counted in ClinVar's aggregate classification.
Comment: The NF1 c.6772C>T variant is predicted to result in premature protein termination (p.Arg2258*). This variant has been reported in individuals with neurofibromatosis type 1 (referred to as R2237X in Fahsold et al. 2000. PubMed ID: 10712197; Zhu et al. 2016. PubMed ID: 26962827). At PreventionGenetics, this variant has been identified in other affected patients. To our knowledge, this variant has not been reported in a large population database, indicating this variant is rare. This variant is interpreted as pathogenic in ClinVar. Nonsense variants in NF1 are expected to be pathogenic. This variant is interpreted as pathogenic.

Clinical Genetics DNA and cytogenetics Diagnostics Lab, Erasmus MC, Erasmus Medical Center
Classification: Pathogenic. Review status: no assertion criteria provided. Collection method: clinical testing. Allele origin: germline. Affected: yes. Study: VKGL Data-share Consensus. Not counted in ClinVar's aggregate classification.

Division of Human Genetics, National Health Laboratory Service/University of the Witwatersrand
Classification: Pathogenic for Neurofibromatosis, type 1. Review status: no assertion criteria provided. Collection method: research. Allele origin: unknown. Affected: yes. Observed: 1 variant allele. Not counted in ClinVar's aggregate classification.

Joint Genome Diagnostic Labs from Nijmegen and Maastricht, Radboudumc and MUMC+
Classification: Pathogenic. Review status: no assertion criteria provided. Collection method: clinical testing. Allele origin: germline. Affected: yes. Study: VKGL Data-share Consensus. Not counted in ClinVar's aggregate classification.

Kasturba Medical College, Manipal, Kasturba Medical College, Manipal, Manipal Academy of Higher Education, Manipal, India
Classification: Pathogenic for Neurofibromatosis, type 1. Review status: no assertion criteria provided. Collection method: research. Allele origin: maternal. Inheritance: Autosomal dominant inheritance. Affected: yes. Not counted in ClinVar's aggregate classification.

Literature cited by the submitters: PubMed 10712197 (cited by 7 submitters); PubMed 23913538 (cited by 3 submitters); PubMed 10862084 (cited by Labcorp Genetics (formerly Invitae), Labcorp and Quest Diagnostics Nichols Institute San Juan Capistrano); PubMed 12552569 (cited by Labcorp Genetics (formerly Invitae), Labcorp and Quest Diagnostics Nichols Institute San Juan Capistrano); PubMed 16479075 (cited by 4 submitters); PubMed 26962827 (cited by 5 submitters); PubMed 31776437 (cited by Department of Molecular Genetics, Istishari Arab Hospital and Victorian Clinical Genetics Services, Murdoch Childrens Research Institute); PubMed 31533797 (cited by Department of Molecular Genetics, Istishari Arab Hospital and The Laboratory of Genetics and Metabolism, Hunan Children’s Hospital); PubMed 31370276 (cited by Department of Molecular Genetics, Istishari Arab Hospital and Quest Diagnostics Nichols Institute San Juan Capistrano); PubMed 24789688 (cited by Ambry Genetics); PubMed 15146469 (cited by Quest Diagnostics Nichols Institute San Juan Capistrano); PubMed 23668869 (cited by Quest Diagnostics Nichols Institute San Juan Capistrano); PubMed 12112660 (cited by Quest Diagnostics Nichols Institute San Juan Capistrano); PubMed 30014477 (cited by Quest Diagnostics Nichols Institute San Juan Capistrano); PubMed 28873162 (cited by Department of Pediatrics, Memorial Sloan Kettering Cancer Center).